The following is an entry in ClinVar:

NM_021942.6(TRAPPC11):c.3225A>T (p.Glu1075Asp)

Gene: TRAPPC11 (trafficking protein particle complex subunit 11; plus strand). Cytogenetic location: 4q35.1.
Variant type: single nucleotide variant.
Coding change: c.3225A>T on transcript NM_021942.6 (MANE Select); coding-DNA position 3225, A replaced by T.
Protein change: p.Glu1075Asp; replaces glutamic acid 1075 with aspartic acid.
Molecular consequence: missense variant. On other transcripts: intron variant (1).
Genome position (GRCh38, 1-based): chr4:183,708,442, A>T. VCF-style: chr4-183708442-A-T. GRCh37 (hg19) VCF-style: chr4-184629595-A-T.
Other names: c.3199+26A>T (NM_199053.3); short protein forms E1075D.
Identifiers: ClinVar variation 2157749 (VCV002157749.4), dbSNP rs1431311633, ClinGen allele CA358875398.
Genomic context (GRCh38, chr4:183,708,442, plus strand): 5'-TTCTCTGTGACTTTTTATGATGCAGATTCGATTACGTATCCTCCCTGGCACGGAGCAGGA[A>T]ATGCTATATAATTTCTATCCTCTGATGGCTGGATACCAGCAGCTGCCATCTCTCAACATC-3'
Protein context (NP_068761.4, residues 1065-1085): RLRILPGTEQ[Glu1075Asp]MLYNFYPLMA

ClinVar aggregate classification (germline): Uncertain significance (1 of 4 stars; one submission).

Conditions:
Autosomal recessive limb-girdle muscular dystrophy type R18 (LGMDR18). Also called: MUSCULAR DYSTROPHY, LIMB-GIRDLE, AUTOSOMAL RECESSIVE 18; Autosomal recessive limb-girdle muscular dystrophy type 2S; Limb-girdle muscular dystrophy, type 2S. Identifiers: Orphanet 369840, MedGen C4517996, MONDO:0014144, OMIM 615356.

Allele frequency attached by ClinVar (database versions not stated): gnomAD exomes below 0.00001.
gnomAD v4.1: 1 of 1,614,018 alleles (0.000062%); highest among the groups gnomAD compares: Admixed American, 0.0017%; no homozygotes.

Submission:

Labcorp Genetics (formerly Invitae), Labcorp
Classification: Uncertain significance for Autosomal recessive limb-girdle muscular dystrophy type R18. Last evaluated: 2022-07-23. Review status: criteria provided, single submitter. Criteria: Invitae Variant Classification Sherloc (09022015). Collection method: clinical testing. Allele origin: germline.
Comment: In summary, the available evidence is currently insufficient to determine the role of this variant in disease. Therefore, it has been classified as a Variant of Uncertain Significance. Algorithms developed to predict the effect of missense changes on protein structure and function are either unavailable or do not agree on the potential impact of this missense change (SIFT: "Tolerated"; PolyPhen-2: "Possibly Damaging"; Align-GVGD: "Class C0"). This variant has not been reported in the literature in individuals affected with TRAPPC11-related conditions. This variant is present in population databases (no rsID available, gnomAD 0.003%). This sequence change replaces glutamic acid, which is acidic and polar, with aspartic acid, which is acidic and polar, at codon 1075 of the TRAPPC11 protein (p.Glu1075Asp).